The following is an entry in ClinVar:

ClinVar aggregate classification (germline): Uncertain significance (1 of 4 stars; one submission).

gnomAD v4.1: 3 of 1,612,202 alleles (0.00019%); highest among the groups gnomAD compares: East Asian, 0.0022%; no homozygotes.

Submission:

Labcorp Genetics (formerly Invitae), Labcorp
Classification: Uncertain significance. Last evaluated: 2021-11-19. Review status: criteria provided, single submitter. Criteria: Invitae Variant Classification Sherloc (09022015). Collection method: clinical testing. Allele origin: germline.
Comment: Algorithms developed to predict the effect of missense changes on protein structure and function are either unavailable or do not agree on the potential impact of this missense change (SIFT: "Not Available"; PolyPhen-2: "Benign"; Align-GVGD: "Not Available"). This sequence change replaces glycine, which is neutral and non-polar, with arginine, which is basic and polar, at codon 796 of the SLC9A3 protein (p.Gly796Arg). This variant is not present in population databases (gnomAD no frequency). This variant has not been reported in the literature in individuals affected with SLC9A3-related conditions. In summary, the available evidence is currently insufficient to determine the role of this variant in disease. Therefore, it has been classified as a Variant of Uncertain Significance.

NM_004174.4(SLC9A3):c.2386G>C (p.Gly796Arg)

Genes: SLC9A3 (solute carrier family 9 member A3), SLC9A3-AS1 (SLC9A3 antisense RNA 1; plus strand). Cytogenetic location: 5p15.33.
Variant type: single nucleotide variant.
Coding change: c.2386G>C on transcript NM_004174.4 (MANE Select); coding-DNA position 2386, G replaced by C.
Protein change: p.Gly796Arg; replaces glycine 796 with arginine.
Molecular consequence: missense variant.
Genome position (GRCh38, 1-based): chr5:474,998, C>G on the plus strand (G>C on the coding strand, the complement: SLC9A3 is on the minus strand). VCF-style: chr5-474998-C-G. GRCh37 (hg19) VCF-style: chr5-475113-C-G.
Other names: c.2359G>C, p.Gly787Arg (NM_001284351.3); short protein forms G787R, G796R.
Identifiers: ClinVar variation 1474601 (VCV001474601.5), dbSNP rs757493997, ClinGen allele CA359023160.